The following is an entry in ClinVar:

ClinVar aggregate classification (germline): Uncertain significance. Review status: criteria provided, multiple submitters, no conflicts (2 of 4 stars). 3 submissions from 3 submitters: Uncertain significance (3). Last evaluated 2023-11-09.

Conditions:
Sideroblastic anemia 2. Also called: Anemia, sideroblastic, 2, pyridoxine-refractory. Identifiers: Orphanet 260305, MedGen C4225425, MONDO:0008785, OMIM 205950.
Inborn genetic diseases. Identifiers: MedGen C0950123, MeSH D030342.

Allele frequency attached by ClinVar (database versions not stated): gnomAD 0.00001; ExAC 0.00002; gnomAD exomes 0.00002 and 0.00004; TOPMed 0.00003.
gnomAD v4.1: 28 of 1,613,252 alleles (0.0017%); highest among the groups gnomAD compares: Admixed American, 0.02%; no homozygotes.

Submissions (4):

Ambry Genetics
Classification: Uncertain significance for Inborn genetic diseases. Last evaluated: 2023-11-09. Review status: criteria provided, single submitter. Criteria: Ambry Variant Classification Scheme 2023. Collection method: clinical testing. Allele origin: germline.

GeneDx
Classification: Uncertain significance. Last evaluated: 2021-06-07. Review status: criteria provided, single submitter. Criteria: GeneDx Variant Classification Process June 2021. Collection method: clinical testing. Allele origin: germline. Affected: yes.
Comment: This variant is associated with the following publications: (PMID: 27535533)

Illumina Laboratory Services, Illumina
Classification: Uncertain significance for Sideroblastic anemia 2. Last evaluated: 2018-01-13. Review status: criteria provided, single submitter. Criteria: ICSL Variant Classification Criteria 13 December 2019. Collection method: clinical testing. Allele origin: germline.

Dr. Peter K. Rogan Lab, Western University
No classification provided (evidence only). Condition: Malignant tumor of esophagus. Review status: no classification provided. Collection method: in vitro. Allele origin: not applicable. Functional consequence: skipped exon. Not counted in ClinVar's aggregate classification.

NM_017875.4(SLC25A38):c.652A>T (p.Ile218Phe)

Gene: SLC25A38 (solute carrier family 25 member 38; plus strand). Cytogenetic location: 3p22.1.
Variant type: single nucleotide variant.
Coding change: c.652A>T on transcript NM_017875.4 (MANE Select); coding-DNA position 652, A replaced by T.
Protein change: p.Ile218Phe; replaces isoleucine 218 with phenylalanine.
Molecular consequence: missense variant. On other transcripts: intron variant (1).
Genome position (GRCh38, 1-based): chr3:39,394,436, A>T. VCF-style: chr3-39394436-A-T. GRCh37 (hg19) VCF-style: chr3-39435927-A-T.
Other names: NC_000003.11:g.39435927A>T; c.652A>T, p.Ile218Phe (LRG_1133t1); c.626-1962A>T (NM_001354798.2); short protein forms I218F.
Identifiers: ClinVar variation 345151 (VCV000345151.10), dbSNP rs764125735, ClinGen allele CA2327526.